The following is an entry in ClinVar:

NM_001042492.3(NF1):c.7913T>C (p.Ile2638Thr)

Gene: NF1 (neurofibromin 1; plus strand). Cytogenetic location: 17q11.2.
Variant type: single nucleotide variant.
Coding change: c.7913T>C on transcript NM_001042492.3 (MANE Select); coding-DNA position 7913, T replaced by C.
Protein change: p.Ile2638Thr; replaces isoleucine 2638 with threonine.
Molecular consequence: missense variant.
Genome position (GRCh38, 1-based): chr17:31,357,312, T>C. VCF-style: chr17-31357312-T-C. GRCh37 (hg19) VCF-style: chr17-29684330-T-C.
Other names: c.7850T>C, p.Ile2617Thr (NM_000267.4); short protein forms I2617T, I2638T.
Identifiers: ClinVar variation 5025540 (VCV005025540.1).

ClinVar aggregate classification (germline): Uncertain significance (1 of 4 stars; one submission).

Conditions:
Cardiovascular phenotype. Identifiers: MedGen CN230736.
Hereditary cancer-predisposing syndrome. Also called: Neoplastic Syndromes, Hereditary; Tumor predisposition; Hereditary neoplastic syndrome; Hereditary Cancer Syndrome. Identifiers: Orphanet 140162, MedGen C0027672, MeSH D009386, MONDO:0015356.

Submission:

Ambry Genetics
Classification: Uncertain significance for Cardiovascular phenotype; Hereditary cancer-predisposing syndrome. Last evaluated: 2026-06-24. Review status: criteria provided, single submitter. Criteria: Ambry Variant Classification Scheme 2023. Collection method: clinical testing. Allele origin: germline.
Comment: The p.I2617T variant (also known as c.7850T>C), located in coding exon 53 of the NF1 gene, results from a T to C substitution at nucleotide position 7850. The isoleucine at codon 2617 is replaced by threonine, an amino acid with similar properties. This amino acid position is conserved. In addition, this alteration is predicted to be deleterious by in silico analysis. Based on the available evidence, the clinical significance of this variant remains unclear.